The following is an entry in ClinVar:

NM_002439.5(MSH3):c.935C>G (p.Thr312Ser)

Genes: MSH3 (mutS homolog 3; plus strand), LOC126807437 (MED14-independent group 3 enhancer GRCh37_chr5:79968379-79969578; plus strand). Cytogenetic location: 5q14.1.
Variant type: single nucleotide variant.
Coding change: c.935C>G on transcript NM_002439.5 (MANE Select); coding-DNA position 935, C replaced by G.
Protein change: p.Thr312Ser; replaces threonine 312 with serine.
Molecular consequence: missense variant.
Genome position (GRCh38, 1-based): chr5:80,672,766, C>G. VCF-style: chr5-80672766-C-G. GRCh37 (hg19) VCF-style: chr5-79968585-C-G.
Other names: short protein forms T312S.
Identifiers: ClinVar variation 2108267 (VCV002108267.4), dbSNP rs1283702618, ClinGen allele CA360267370.

ClinVar aggregate classification (germline): Uncertain significance (1 of 4 stars; one submission).

Allele frequency attached by ClinVar (database versions not stated): TOPMed below 0.00001.
gnomAD v4.1: 1 of 1,613,942 alleles (0.000062%); highest among the groups gnomAD compares: Non-Finnish European, 0.000085%; no homozygotes.

Submission:

Labcorp Genetics (formerly Invitae), Labcorp
Classification: Uncertain significance. Last evaluated: 2022-03-24. Review status: criteria provided, single submitter. Criteria: Invitae Variant Classification Sherloc (09022015). Collection method: clinical testing. Allele origin: germline.
Comment: In summary, the available evidence is currently insufficient to determine the role of this variant in disease. Therefore, it has been classified as a Variant of Uncertain Significance. Algorithms developed to predict the effect of missense changes on protein structure and function (SIFT, PolyPhen-2, Align-GVGD) all suggest that this variant is likely to be disruptive. This variant has not been reported in the literature in individuals affected with MSH3-related conditions. This variant is present in population databases (no rsID available, gnomAD 0.007%). This sequence change replaces threonine, which is neutral and polar, with serine, which is neutral and polar, at codon 312 of the MSH3 protein (p.Thr312Ser).